The following is an entry in ClinVar:

ClinVar aggregate classification (germline): Uncertain significance (1 of 4 stars; one submission).

Conditions:
Familial Mediterranean fever (FMF). Also called: POLYSEROSITIS, FAMILIAL PAROXYSMAL; POLYSEROSITIS, RECURRENT; Periodic peritonitis; Benign paroxysmal peritonitis. Identifiers: Orphanet 342, MedGen C0031069, MONDO:0018088, OMIM 249100. Disease mechanism: gain of function.

gnomAD v4.1: 1 of 1,614,234 alleles (0.000062%); highest among the groups gnomAD compares: Non-Finnish European, 0.000085%; no homozygotes.

Submission:

Labcorp Genetics (formerly Invitae), Labcorp
Classification: Uncertain significance for Familial Mediterranean fever. Last evaluated: 2022-02-23. Review status: criteria provided, single submitter. Criteria: Invitae Variant Classification Sherloc (09022015). Collection method: clinical testing. Allele origin: germline.
Comment: In summary, the available evidence is currently insufficient to determine the role of this variant in disease. Therefore, it has been classified as a Variant of Uncertain Significance. Algorithms developed to predict the effect of missense changes on protein structure and function are either unavailable or do not agree on the potential impact of this missense change (SIFT: "Tolerated"; PolyPhen-2: "Probably Damaging"; Align-GVGD: "Class C0"). This variant has not been reported in the literature in individuals affected with MEFV-related conditions. This variant is not present in population databases (gnomAD no frequency). This sequence change replaces glutamine, which is neutral and polar, with glutamic acid, which is acidic and polar, at codon 381 of the MEFV protein (p.Gln381Glu).

NM_000243.3(MEFV):c.1141C>G (p.Gln381Glu)

Gene: MEFV (MEFV innate immunity regulator, pyrin; minus strand). Cytogenetic location: 16p13.3.
Variant type: single nucleotide variant.
Coding change: c.1141C>G on transcript NM_000243.3 (MANE Select); coding-DNA position 1141, C replaced by G.
Protein change: p.Gln381Glu; replaces glutamine 381 with glutamic acid.
Molecular consequence: missense variant.
Genome position (GRCh38, 1-based): chr16:3,249,550, G>C on the plus strand (C>G on the coding strand, the complement: MEFV is on the minus strand). VCF-style: chr16-3249550-G-C. GRCh37 (hg19) VCF-style: chr16-3299550-G-C.
Other names: c.508C>G, p.Gln170Glu (NM_001198536.2); short protein forms Q170E, Q381E.
Identifiers: ClinVar variation 1977508 (VCV001977508.5), dbSNP rs756295637, ClinGen allele CA394469995.